The following is an entry in ClinVar:

ClinVar aggregate classification (germline): Uncertain significance. Review status: criteria provided, multiple submitters, no conflicts (2 of 4 stars). 2 submissions from 2 submitters: Uncertain significance (2). Last evaluated 2024-09-22.

Conditions:
Hereditary diffuse gastric adenocarcinoma (HDGC). Also called: DIFFUSE GASTRIC AND LOBULAR BREAST CANCER SYNDROME. Identifiers: Orphanet 26106, MedGen C1708349, MONDO:0007648, OMIM 137215.

Submissions (2):

Labcorp Genetics (formerly Invitae), Labcorp
Classification: Uncertain significance for Hereditary diffuse gastric adenocarcinoma. Last evaluated: 2024-09-22. Review status: criteria provided, single submitter. Criteria: Invitae Variant Classification Sherloc (09022015). Collection method: clinical testing. Allele origin: germline.
Comment: This variant, c.2436_2438del, results in the deletion of 1 amino acid(s) of the CDH1 protein (p.Asp812del), but otherwise preserves the integrity of the reading frame. This variant is not present in population databases (gnomAD no frequency). This variant has not been reported in the literature in individuals affected with CDH1-related conditions. ClinVar contains an entry for this variant (Variation ID: 1318657). Experimental studies and prediction algorithms are not available or were not evaluated, and the functional significance of this variant is currently unknown. In summary, the available evidence is currently insufficient to determine the role of this variant in disease. Therefore, it has been classified as a Variant of Uncertain Significance.

GeneDx
Classification: Uncertain significance. Last evaluated: 2019-05-13. Review status: criteria provided, single submitter. Criteria: GeneDx Variant Classification Process June 2021. Collection method: clinical testing. Allele origin: germline. Affected: yes.
Comment: In-frame deletion of 1 amino acid in a non-repeat region; In silico analysis supports a deleterious effect on protein structure/function; Has not been previously published as pathogenic or benign to our knowledge; Not observed in large population cohorts (Lek et al., 2016)

NM_004360.5(CDH1):c.2433TGA[1] (p.Asp812del)

Gene: CDH1 (cadherin 1; plus strand). Cytogenetic location: 16q22.1.
Variant type: Microsatellite.
Coding change: c.2433TGA[1] on transcript NM_004360.5 (MANE Select); one copy of the 3-base unit TGA starting at c.2433; the reference has two copies in a row; one copy, 3 bases deleted.
Protein change: p.Asp812del; deletes aspartic acid 812.
Molecular consequence: inframe deletion.
Genome position (GRCh38, 1-based): chr16:68,829,794-68,829,796, TGA deleted; deleting any 3 consecutive bases within chr16:68,829,791-68,829,796 gives the same sequence; the position shown is the placement nearest the transcript's 3' end. VCF-style (leftmost placement, unchanged base first): chr16-68829790-TTGA-T. GRCh37 (hg19) VCF-style: chr16-68863693-TTGA-T.
Other names: c.468TGA[1], p.Asp157del (NM_001317186.2); c.2250TGA[1], p.Asp751del (NM_001317184.2); c.885TGA[1], p.Asp296del (NM_001317185.2); short protein forms D157del, D296del, D751del, D812del.
Identifiers: ClinVar variation 1318657 (VCV001318657.4), dbSNP rs2152142475, ClinGen allele CA2580612825.